The following is an entry in ClinVar:

NM_005428.4(VAV1):c.53C>T (p.Pro18Leu)

Gene: VAV1 (vav guanine nucleotide exchange factor 1; plus strand). Cytogenetic location: 19p13.3.
Variant type: single nucleotide variant.
Coding change: c.53C>T on transcript NM_005428.4 (MANE Select); coding-DNA position 53, C replaced by T.
Protein change: p.Pro18Leu; replaces proline 18 with leucine.
Molecular consequence: missense variant.
Genome position (GRCh38, 1-based): chr19:6,772,860, C>T. VCF-style: chr19-6772860-C-T. GRCh37 (hg19) VCF-style: chr19-6772871-C-T.
Other names: c.53C>T, p.Pro18Leu (NM_001258206.2, NM_001258207.2); short protein forms P18L.
Identifiers: ClinVar variation 3685327 (VCV003685327.2).

ClinVar aggregate classification (germline): Uncertain significance (1 of 4 stars; one submission).

Submission:

Labcorp Genetics (formerly Invitae), Labcorp
Classification: Uncertain significance. Last evaluated: 2024-04-08. Review status: criteria provided, single submitter. Criteria: Invitae Variant Classification Sherloc (09022015). Collection method: clinical testing. Allele origin: germline.
Comment: This sequence change replaces proline, which is neutral and non-polar, with leucine, which is neutral and non-polar, at codon 18 of the VAV1 protein (p.Pro18Leu). This variant is not present in population databases (gnomAD no frequency). This variant has not been reported in the literature in individuals affected with VAV1-related conditions. An algorithm developed to predict the effect of missense changes on protein structure and function (PolyPhen-2) suggests that this variant is likely to be disruptive. In summary, the available evidence is currently insufficient to determine the role of this variant in disease. Therefore, it has been classified as a Variant of Uncertain Significance.